The following is an entry in ClinVar:

ClinVar aggregate classification (germline): Conflicting classifications of pathogenicity. Review status: criteria provided, conflicting classifications (1 of 4 stars). 2 submissions from 2 submitters: Uncertain significance (1); Likely benign (1). Last evaluated 2025-06-16.

Conditions:
Hereditary cancer-predisposing syndrome. Also called: Hereditary neoplastic syndrome; Tumor predisposition; Neoplastic Syndromes, Hereditary; Hereditary Cancer Syndrome. Identifiers: Orphanet 140162, MedGen C0027672, MeSH D009386, MONDO:0015356.
Gorlin syndrome. Also called: Nevoid Basal Cell Carcinoma Syndrome; Basal cell nevus syndrome. Identifiers: Orphanet 377, MedGen C0004779, MONDO:0007187.

Allele frequency attached by ClinVar (database versions not stated): gnomAD exomes below 0.00001; TOPMed below 0.00001.

Submissions (2):

Labcorp Genetics (formerly Invitae), Labcorp
Classification: Likely benign for Gorlin syndrome. Last evaluated: 2025-06-16. Review status: criteria provided, single submitter. Criteria: Invitae Variant Classification Sherloc (09022015). Collection method: clinical testing. Allele origin: germline.

Ambry Genetics
Classification: Uncertain significance for Hereditary cancer-predisposing syndrome. Last evaluated: 2021-07-15. Review status: criteria provided, single submitter. Criteria: Ambry Variant Classification Scheme 2023. Collection method: clinical testing. Allele origin: germline.
Comment: The p.I991V variant (also known as c.2971A>G), located in coding exon 18 of the PTCH1 gene, results from an A to G substitution at nucleotide position 2971. The isoleucine at codon 991 is replaced by valine, an amino acid with highly similar properties. This amino acid position is highly conserved in available vertebrate species. In addition, the in silico prediction for this alteration is inconclusive. Since supporting evidence is limited at this time, the clinical significance of this alteration remains unclear.

NM_000264.5(PTCH1):c.2971A>G (p.Ile991Val)

Gene: PTCH1 (patched 1; minus strand). Cytogenetic location: 9q22.32.
Variant type: single nucleotide variant.
Coding change: c.2971A>G on transcript NM_000264.5 (MANE Select); coding-DNA position 2971, A replaced by G.
Protein change: p.Ile991Val; replaces isoleucine 991 with valine.
Molecular consequence: missense variant. On other transcripts: non-coding transcript variant (1).
Genome position (GRCh38, 1-based): chr9:95,458,210, T>C on the plus strand (A>G on the coding strand, the complement: PTCH1 is on the minus strand). VCF-style: chr9-95458210-T-C. GRCh37 (hg19) VCF-style: chr9-98220492-T-C.
Other names: c.2773A>G, p.Ile925Val (NM_001083602.3); c.2968A>G, p.Ile990Val (NM_001083603.3); c.2518A>G, p.Ile840Val (NM_001083604.3, NM_001083605.3, NM_001083606.3 and 1 more transcripts); c.2815A>G, p.Ile939Val (NM_001354918.2); short protein forms I840V, I925V, I990V, I939V, I991V.
Identifiers: ClinVar variation 855258 (VCV000855258.12), dbSNP rs1189382722, ClinGen allele CA374112671.